The following is an entry in ClinVar:

NM_005915.6(MCM6):c.144A>G (p.Gln48=)

Gene: MCM6 (minichromosome maintenance complex component 6; minus strand). Cytogenetic location: 2q21.3.
Variant type: single nucleotide variant.
Coding change: c.144A>G on transcript NM_005915.6 (MANE Select); coding-DNA position 144, A replaced by G.
Protein change: p.Gln48=; no amino-acid change (glutamine 48 retained).
Molecular consequence: synonymous variant.
Genome position (GRCh38, 1-based): chr2:135,872,807, T>C on the plus strand (A>G on the coding strand, the complement: MCM6 is on the minus strand). VCF-style: chr2-135872807-T-C. GRCh37 (hg19) VCF-style: chr2-136630377-T-C.
Identifiers: ClinVar variation 3029513 (VCV003029513.2), dbSNP rs144082863, ClinGen allele CA1889364.

ClinVar aggregate classification (germline): Likely benign (0 of 4 stars; one submission).

Conditions:
MCM6-related disorder. Also called: MCM6-related condition.

Allele frequency attached by ClinVar (database versions not stated): ExAC 0.00001; TOPMed 0.00002; ESP Exome Variant Server 0.00015.
gnomAD v4.1: 46 of 1,614,174 alleles (0.0028%); highest among the groups gnomAD compares: Non-Finnish European, 0.0038%; no homozygotes.

Submission:

PreventionGenetics, part of Exact Sciences
Classification: Likely benign for MCM6-related condition. Last evaluated: 2024-01-08. Review status: no assertion criteria provided. Collection method: clinical testing. Allele origin: germline.
Comment: This variant is classified as likely benign based on ACMG/AMP sequence variant interpretation guidelines (Richards et al. 2015 PMID: 25741868, with internal and published modifications).